The following is an entry in ClinVar:

NM_015634.4(KIFBP):c.1353_1354del (p.Ala452fs)

Gene: KIFBP (kinesin family binding protein; plus strand). Cytogenetic location: 10q22.1.
Variant type: Deletion.
Coding change: c.1353_1354del on transcript NM_015634.4 (MANE Select); coding-DNA positions 1353 to 1354, 2 bases deleted (AG; older notation c.1353_1354delAG).
Protein change: p.Ala452fs; shifts the reading frame from alanine 452.
Molecular consequence: frameshift variant.
Genome position (GRCh38, 1-based): chr10:69,015,903-69,015,904, AG deleted. VCF-style (leftmost placement, unchanged base first): chr10-69015902-TAG-T. GRCh37 (hg19) VCF-style: chr10-70775658-TAG-T.
Other names: c.1353_1354delAG (NM_015634.4); short protein forms A452fs.
Identifiers: ClinVar variation 3896359 (VCV003896359.2).

ClinVar aggregate classification (germline): Pathogenic (1 of 4 stars; one submission).

Conditions:
Goldberg-Shprintzen syndrome. Identifiers: Orphanet 66629, MedGen C1836123, MONDO:0012280, OMIM 609460.

Submission:

Women's Health and Genetics/Laboratory Corporation of America, LabCorp
Classification: Pathogenic for Goldberg-Shprintzen syndrome. Last evaluated: 2025-04-10. Review status: criteria provided, single submitter. Criteria: LabCorp Variant Classification Summary - May 2015. Collection method: clinical testing. Allele origin: germline.
Comment: Variant summary: KIFBP c.1353_1354delAG (p.Ala452HisfsX24) results in a premature termination codon, predicted to cause a truncation of the encoded protein, and at-least one downstream frameshift variant has been associated with disease (c.1516dupA, p.Ile506Asnfs*3). The variant was absent in 251442 control chromosomes. To our knowledge, no occurrence of c.1353_1354delAG in individuals affected with Goldberg-Shprintzen Syndrome and no experimental evidence demonstrating its impact on protein function have been reported. No submitters have cited clinical-significance assessments for this variant to ClinVar. Based on the evidence outlined above, the variant was classified as pathogenic.